The following is an entry in ClinVar:

NM_001903.5(CTNNA1):c.1747+9A>G

Gene: CTNNA1 (catenin alpha 1; plus strand). Cytogenetic location: 5q31.2.
Variant type: single nucleotide variant.
Coding change: c.1747+9A>G on transcript NM_001903.5 (MANE Select); 9 bases into the intron after coding-DNA position 1747, A replaced by G.
Molecular consequence: intron variant.
Genome position (GRCh38, 1-based): chr5:138,924,719, A>G. VCF-style: chr5-138924719-A-G. GRCh37 (hg19) VCF-style: chr5-138260408-A-G.
Other names: c.1747+9A>G (NM_001323982.2, NM_001323984.2, NM_001290307.3 and 2 more transcripts); c.1654+9A>G (NM_001323986.2); c.1378+9A>G (NM_001290310.3); c.1438+9A>G (NM_001290309.3); c.637+9A>G (NM_001323996.1, NM_001323993.1, NM_001324005.1 and 17 more transcripts); c.298+9A>G (NM_001324007.1, NM_001324009.1, NM_001324006.1 and 2 more transcripts); c.394+9A>G (NM_001324013.1, NM_001324012.1); c.544+9A>G (NM_001324011.1).
Identifiers: ClinVar variation 1557972 (VCV001557972.9), dbSNP rs1763636545, ClinGen allele CA1586083958.

ClinVar aggregate classification (germline): Likely benign. Review status: criteria provided, multiple submitters, no conflicts (2 of 4 stars). 2 submissions from 2 submitters: Likely benign (2). Last evaluated 2024-11-20.

Conditions:
Hereditary diffuse gastric adenocarcinoma (HDGC). Also called: DIFFUSE GASTRIC AND LOBULAR BREAST CANCER SYNDROME. Identifiers: Orphanet 26106, MedGen C1708349, MONDO:0007648, OMIM 137215.

Allele frequency attached by ClinVar (database versions not stated): gnomAD exomes below 0.00001.

Submissions (2):

Labcorp Genetics (formerly Invitae), Labcorp
Classification: Likely benign. Last evaluated: 2024-11-20. Review status: criteria provided, single submitter. Criteria: Invitae Variant Classification Sherloc (09022015). Collection method: clinical testing. Allele origin: germline.

Myriad Genetics, Inc.
Classification: Likely benign for Hereditary diffuse gastric adenocarcinoma. Last evaluated: 2024-10-14. Review status: criteria provided, single submitter. Criteria: Myriad Autosomal Dominant, Autosomal Recessive and X-Linked Classification Criteria (2023). Collection method: clinical testing. Allele origin: unknown.
Comment: This variant is considered likely benign. This variant is intronic and is not expected to impact mRNA splicing.